The following is an entry in ClinVar:

NM_001048174.2(MUTYH):c.491A>C (p.Lys164Thr)

Gene: MUTYH (mutY DNA glycosylase; minus strand). Cytogenetic location: 1p34.1.
Variant type: single nucleotide variant.
Coding change: c.491A>C on transcript NM_001048174.2 (MANE Select); coding-DNA position 491, A replaced by C.
Protein change: p.Lys164Thr; replaces lysine 164 with threonine.
Molecular consequence: missense variant. On other transcripts: non-coding transcript variant (7).
Genome position (GRCh38, 1-based): chr1:45,332,764, T>G on the plus strand (A>C on the coding strand, the complement: MUTYH is on the minus strand). VCF-style: chr1-45332764-T-G. GRCh37 (hg19) VCF-style: chr1-45798436-T-G.
Other names: c.536A>C, p.Lys179Thr (NM_001293190.2); c.524A>C, p.Lys175Thr (NM_001293191.2, NM_001407069.1, NM_001407077.1); c.215A>C, p.Lys72Thr (NM_001293192.2, NM_001293196.2, NM_001407091.1); c.491A>C, p.Lys164Thr (NM_001293195.2, NM_001407070.1, NM_001407088.1 and 6 more transcripts); c.146A>C, p.Lys49Thr (NM_001350650.2, NM_001350651.2, NM_001407082.1); c.533A>C, p.Lys178Thr (NM_001407083.1, NM_001407085.1); c.494A>C, p.Lys165Thr (NM_001407086.1, NM_001048172.2, NM_001407071.1 and 1 more transcripts); c.512A>C, p.Lys171Thr (NM_001407087.1); and 5 more; short protein forms K150T, K178T, K49T, K171T, K175T, K192T, K72T, K151T.
Identifiers: ClinVar variation 4113735 (VCV004113735.1).

ClinVar aggregate classification (germline): Uncertain significance (1 of 4 stars; one submission).

Conditions:
Hereditary cancer-predisposing syndrome. Also called: Hereditary neoplastic syndrome; Neoplastic Syndromes, Hereditary; Tumor predisposition; Hereditary Cancer Syndrome. Identifiers: Orphanet 140162, MedGen C0027672, MeSH D009386, MONDO:0015356.

Submission:

Ambry Genetics
Classification: Uncertain significance for Hereditary cancer-predisposing syndrome. Last evaluated: 2025-08-27. Review status: criteria provided, single submitter. Criteria: Ambry Variant Classification Scheme 2023. Collection method: clinical testing. Allele origin: germline.
Comment: The p.K192T variant (also known as c.575A>C), located in coding exon 7 of the MUTYH gene, results from an A to C substitution at nucleotide position 575. The lysine at codon 192 is replaced by threonine, an amino acid with similar properties. This amino acid position is conserved. In addition, the in silico prediction for this alteration is inconclusive. Based on the available evidence, the clinical significance of this variant remains unclear.